The following is an entry in ClinVar:

NM_001563.4(IMPG1):c.1184T>C (p.Leu395Pro)

Gene: IMPG1 (interphotoreceptor matrix proteoglycan 1; minus strand). Cytogenetic location: 6q14.1.
Variant type: single nucleotide variant.
Coding change: c.1184T>C on transcript NM_001563.4 (MANE Select); coding-DNA position 1184, T replaced by C.
Protein change: p.Leu395Pro; replaces leucine 395 with proline.
Molecular consequence: missense variant.
Genome position (GRCh38, 1-based): chr6:76,003,902, A>G on the plus strand (T>C on the coding strand, the complement: IMPG1 is on the minus strand). VCF-style: chr6-76003902-A-G. GRCh37 (hg19) VCF-style: chr6-76713619-A-G.
Other names: c.950T>C, p.Leu317Pro (NM_001282368.2); short protein forms L317P, L395P.
Identifiers: ClinVar variation 4763360 (VCV004763360.1).

ClinVar aggregate classification (germline): Uncertain significance (1 of 4 stars; one submission).

gnomAD v4.1: 1 of 1,613,390 alleles (0.000062%); highest among the groups gnomAD compares: South Asian, 0.0011%; no homozygotes.

Submission:

Labcorp Genetics (formerly Invitae), Labcorp
Classification: Uncertain significance. Last evaluated: 2025-03-22. Review status: criteria provided, single submitter. Criteria: Invitae Variant Classification Sherloc (09022015). Collection method: clinical testing. Allele origin: germline.
Comment: This sequence change replaces leucine, which is neutral and non-polar, with proline, which is neutral and non-polar, at codon 395 of the IMPG1 protein (p.Leu395Pro). This variant is present in population databases (rs753090077, gnomAD 0.003%). This variant has not been reported in the literature in individuals affected with IMPG1-related conditions. An algorithm developed to predict the effect of missense changes on protein structure and function (PolyPhen-2) suggests that this variant is likely to be disruptive. In summary, the available evidence is currently insufficient to determine the role of this variant in disease. Therefore, it has been classified as a Variant of Uncertain Significance.